The following is an entry in ClinVar:

ClinVar aggregate classification (germline): Benign (1 of 4 stars; one submission).

Conditions:
Breast-ovarian cancer, familial, susceptibility to, 3. Also called: RAD51C-Related Breast/Ovarian Cancer. Identifiers: Orphanet 145, MedGen C3150659, MONDO:0013253, OMIM 613399.

Submission:

Myriad Genetics, Inc.
Classification: Benign for Breast-ovarian cancer, familial, susceptibility to, 3. Last evaluated: 2025-02-19. Review status: criteria provided, single submitter. Criteria: Myriad Autosomal Dominant, Autosomal Recessive and X-Linked Classification Criteria (2023). Collection method: clinical testing. Allele origin: unknown.
Comment: This variant is considered benign. This variant is a silent/synonymous amino acid change and it is not expected to impact splicing.

NM_058216.3(RAD51C):c.1130A>G (p.Ter377=)

Gene: RAD51C (RAD51 paralog C; plus strand). Cytogenetic location: 17q22.
Variant type: single nucleotide variant.
Coding change: c.1130A>G on transcript NM_058216.3 (MANE Select); coding-DNA position 1130, A replaced by G.
Protein change: p.Ter377=.
Molecular consequence: synonymous variant. On other transcripts: non-coding transcript variant (1).
Genome position (GRCh38, 1-based): chr17:58,734,221, A>G. VCF-style: chr17-58734221-A-G. GRCh37 (hg19) VCF-style: chr17-56811582-A-G.
Identifiers: ClinVar variation 3903565 (VCV003903565.1).